The following is an entry in ClinVar:

NM_006279.5(ST3GAL3):c.900T>C (p.Pro300=)

Gene: ST3GAL3 (ST3 beta-galactoside alpha-2,3-sialyltransferase 3; plus strand). Cytogenetic location: 1p34.1.
Variant type: single nucleotide variant.
Coding change: c.900T>C on transcript NM_006279.5 (MANE Select); coding-DNA position 900, T replaced by C.
Protein change: p.Pro300=; no amino-acid change (proline 300 retained).
Molecular consequence: synonymous variant. On other transcripts: non-coding transcript variant (6), intron variant (11).
Genome position (GRCh38, 1-based): chr1:43,920,790, T>C. VCF-style: chr1-43920790-T-C. GRCh37 (hg19) VCF-style: chr1-44386462-T-C.
Other names: c.1107T>C (NM_174963.3); c.810T>C, p.Pro270= (NM_001270459.2); c.807T>C, p.Pro269= (NM_001270460.2); c.945T>C, p.Pro315= (NM_001350619.2, NM_174964.4); c.900T>C, p.Pro300= (NM_001350620.2); c.621T>C, p.Pro207= (NM_001350621.2); c.1107T>C, p.Pro369= (NM_174963.5); c.1062T>C, p.Pro354= (NM_174968.5); and 13 more.
Identifiers: ClinVar variation 501377 (VCV000501377.22), dbSNP rs563317319, ClinGen allele CA814845.

ClinVar aggregate classification (germline): Conflicting classifications of pathogenicity. Review status: criteria provided, conflicting classifications (1 of 4 stars). 5 submissions from 5 submitters: Uncertain significance (1); Likely benign (4). Last evaluated 2026-01-12.

Conditions:
Early-infantile DEE. Also called: Ohtahara syndrome; Early infantile epileptic encephalopathy with suppression bursts; Early infantile epileptic encephalopathy. Identifiers: Orphanet 1934, MedGen C0393706, MONDO:0800491.
ST3GAL3-related disorder. Also called: ST3GAL3-related condition; ST3GAL3-Related Disorders.
Inborn genetic diseases. Identifiers: MedGen C0950123, MeSH D030342.

Allele frequency attached by ClinVar (database versions not stated): gnomAD exomes 0.00001 and 0.00002; ExAC 0.00002; gnomAD 0.00009 and 0.00010; TOPMed 0.00015.
gnomAD v4.1: 34 of 1,614,018 alleles (0.0021%); highest among the groups gnomAD compares: African/African-American, 0.027%; no homozygotes.

Submissions (5):

Labcorp Genetics (formerly Invitae), Labcorp
Classification: Likely benign for Early-infantile DEE. Last evaluated: 2026-01-12. Review status: criteria provided, single submitter. Criteria: Invitae Variant Classification Sherloc (09022015). Collection method: clinical testing. Allele origin: germline.

PreventionGenetics, part of Exact Sciences
Classification: Likely benign for ST3GAL3-related condition. Last evaluated: 2025-11-05. Review status: criteria provided, single submitter. Criteria: ACMG Guidelines, 2015. Collection method: clinical testing. Allele origin: germline.
Comment: This variant is classified as likely benign based on ACMG/AMP sequence variant interpretation guidelines (Richards et al. 2015 PMID: 25741868, with internal and published modifications).

Blueprint Genetics
Classification: Likely benign. Last evaluated: 2019-10-02. Review status: criteria provided, single submitter. Criteria: ACMG Guidelines, 2015. Collection method: clinical testing. Allele origin: germline.

Eurofins Ntd Llc (ga)
Classification: Uncertain significance. Last evaluated: 2017-05-02. Review status: criteria provided, single submitter. Criteria: EGL Classification Definitions 2015. Collection method: clinical testing. Allele origin: germline. Observed: 1 variant allele, 1 heterozygote.

Ambry Genetics
Classification: Likely benign for Inborn genetic diseases. Last evaluated: 2016-05-14. Review status: criteria provided, single submitter. Criteria: Ambry Variant Classification Scheme 2023. Collection method: clinical testing. Allele origin: germline.